The following is an entry in ClinVar:

NM_003954.5(MAP3K14):c.1386G>A (p.Gly462=)

Gene: MAP3K14 (mitogen-activated protein kinase kinase kinase 14; minus strand). Cytogenetic location: 17q21.31.
Variant type: single nucleotide variant.
Coding change: c.1386G>A on transcript NM_003954.5 (MANE Select); coding-DNA position 1386, G replaced by A.
Protein change: p.Gly462=; no amino-acid change (glycine 462 retained).
Molecular consequence: synonymous variant.
Genome position (GRCh38, 1-based): chr17:45,274,498, C>T on the plus strand (G>A on the coding strand, the complement: MAP3K14 is on the minus strand). VCF-style: chr17-45274498-C-T. GRCh37 (hg19) VCF-style: chr17-43351865-C-T.
Identifiers: ClinVar variation 1635958 (VCV001635958.32), dbSNP rs747187875, ClinGen allele CA8614162.

ClinVar aggregate classification (germline): Likely benign. Review status: criteria provided, multiple submitters, no conflicts (2 of 4 stars). 2 submissions from 2 submitters: Likely benign (2). Last evaluated 2025-11-28.

Conditions:
NIK deficiency. Also called: Primary immunodeficiency with multifaceted aberrant lymphoid immunity. Identifiers: Orphanet 447731, MedGen C5680065, MONDO:0018642.

Allele frequency attached by ClinVar (database versions not stated): gnomAD 0.00001; gnomAD exomes 0.00004 and 0.00013; ExAC 0.00016.
gnomAD v4.1: 65 of 1,613,890 alleles (0.004%); highest among the groups gnomAD compares: South Asian, 0.071%; 3 homozygotes.

Submissions (2):

Labcorp Genetics (formerly Invitae), Labcorp
Classification: Likely benign for NIK deficiency. Last evaluated: 2025-11-28. Review status: criteria provided, single submitter. Criteria: Invitae Variant Classification Sherloc (09022015). Collection method: clinical testing. Allele origin: germline.

CeGaT Center for Human Genetics Tuebingen
Classification: Likely benign. Last evaluated: 2022-04-01. Review status: criteria provided, single submitter. Criteria: CeGaT Center For Human Genetics Tuebingen Variant Classification Criteria Version 2. Collection method: clinical testing. Allele origin: germline. Affected: yes. Observed: 1 variant allele.
Comment: MAP3K14: BP4, BP7